The following is an entry in ClinVar:

NM_016239.4(MYO15A):c.5830C>T (p.Arg1944Cys)

Gene: MYO15A (myosin XVA; plus strand). Cytogenetic location: 17p11.2.
Variant type: single nucleotide variant.
Coding change: c.5830C>T on transcript NM_016239.4 (MANE Select); coding-DNA position 5830, C replaced by T.
Protein change: p.Arg1944Cys; replaces arginine 1944 with cysteine.
Molecular consequence: missense variant.
Genome position (GRCh38, 1-based): chr17:18,142,760, C>T. VCF-style: chr17-18142760-C-T. GRCh37 (hg19) VCF-style: chr17-18046074-C-T.
Other names: c.5830C>T (NM_016239.3); short protein forms R1944C.
Identifiers: ClinVar variation 1361931 (VCV001361931.8), dbSNP rs199968059, ClinGen allele CA8424416.
Genomic context (GRCh38, chr17:18,142,760, plus strand): 5'-GGTCACCCTGTCACCCTGTGGCCCCAATCCCTGACCTCCCCACTACCCCAACCCAGGCAA[C>T]GCTATCAGCAGATGAGGAGGAGTCTGGTGAAGTTCCGGTCCCTGGTACACGCATACGTGA-3'
Protein context (NP_057323.3, residues 1934-1954): SRARGYLARQ[Arg1944Cys]YQQMRRSLVK

ClinVar aggregate classification (germline): Conflicting classifications of pathogenicity. Review status: criteria provided, conflicting classifications (1 of 4 stars). 4 submissions from 4 submitters: Uncertain significance (3); Likely benign (1). Last evaluated 2025-08-13.

Conditions:
Inborn genetic diseases. Identifiers: MedGen C0950123, MeSH D030342.
Autosomal recessive nonsyndromic hearing loss 3. Also called: NEUROSENSORY NONSYNDROMIC RECESSIVE DEAFNESS 3. Identifiers: Orphanet 90636, MedGen C1838263, MONDO:0010860, OMIM 600316.

Allele frequency attached by ClinVar (database versions not stated): gnomAD exomes 0.00002 and 0.00004; ExAC 0.00004; gnomAD 0.00007 and 0.00008; TOPMed 0.00009; ESP Exome Variant Server 0.00024.
gnomAD v4.1: 36 of 1,613,388 alleles (0.0022%); highest among the groups gnomAD compares: African/African-American, 0.016%; no homozygotes.

Submissions (4):

Ambry Genetics
Classification: Uncertain significance for Inborn genetic diseases. Last evaluated: 2025-08-13. Review status: criteria provided, single submitter. Criteria: Ambry Variant Classification Scheme 2023. Collection method: clinical testing. Allele origin: germline.

Labcorp Genetics (formerly Invitae), Labcorp
Classification: Likely benign. Last evaluated: 2024-12-02. Review status: criteria provided, single submitter. Criteria: Invitae Variant Classification Sherloc (09022015). Collection method: clinical testing. Allele origin: germline.

GeneDx
Classification: Uncertain significance. Last evaluated: 2022-10-19. Review status: criteria provided, single submitter. Criteria: GeneDx Variant Classification Process June 2021. Collection method: clinical testing. Allele origin: germline. Affected: yes.
Comment: In silico analysis supports that this missense variant has a deleterious effect on protein structure/function; Has not been previously published as pathogenic or benign to our knowledge

ARUP Laboratories, Molecular Genetics and Genomics, ARUP Laboratories
Classification: Uncertain significance for Autosomal recessive nonsyndromic hearing loss 3. Review status: criteria provided, single submitter. Criteria: ARUP Molecular Germline Variant Investigation Process 2024. Collection method: clinical testing. Allele origin: germline.